The following is an entry in ClinVar:

NM_000313.4(PROS1):c.1142dup (p.Leu382fs)

Gene: PROS1 (protein S; minus strand). Cytogenetic location: 3q11.1.
Variant type: Duplication.
Coding change: c.1142dup on transcript NM_000313.4 (MANE Select); coding-DNA position 1142, one base duplicated (G; older notation c.1142dupG).
Protein change: p.Leu382fs; shifts the reading frame from leucine 382.
Molecular consequence: frameshift variant.
Genome position (GRCh38, 1-based): chr3:93,892,946, C duplicated on the plus strand (G on the coding strand, the reverse complement: PROS1 is on the minus strand); the first of 2 consecutive C bases (chr3:93,892,946-93,892,947); duplicating either gives the same sequence. VCF-style (leftmost placement, unchanged base first): chr3-93892945-A-AC. GRCh37 (hg19) VCF-style: chr3-93611789-A-AC.
Other names: c.1238dup, p.Leu414fs (NM_001314077.2); short protein forms L382fs, L414fs.
Identifiers: ClinVar variation 3661072 (VCV003661072.2).
Genomic context (GRCh38, chr3:93,892,945, plus strand): 5'-ACAGACTGCATCAAAGTGGGAAGATATTGATGAAATCTGCAAACGTACCATATTCCATAG[A>AC]CCATTATTAATAACATCACCTCCAGTTGTGATTTTGGATGTATGTTCATTCTTAAGCTGA-3'

ClinVar aggregate classification (germline): Pathogenic (1 of 4 stars; one submission).

Conditions:
Thrombophilia due to protein S deficiency, autosomal recessive (THPH6). Identifiers: Orphanet 743, MedGen C3281092, MONDO:0013791, OMIM 614514. Disease mechanism: loss of function.

Submission:

Labcorp Genetics (formerly Invitae), Labcorp
Classification: Pathogenic for Thrombophilia due to protein S deficiency, autosomal recessive. Last evaluated: 2024-07-31. Review status: criteria provided, single submitter. Criteria: Invitae Variant Classification Sherloc (09022015). Collection method: clinical testing. Allele origin: germline.
Comment: This sequence change creates a premature translational stop signal (p.Leu382Serfs*13) in the PROS1 gene. It is expected to result in an absent or disrupted protein product. Loss-of-function variants in PROS1 are known to be pathogenic (PMID: 9241758). This variant is not present in population databases (gnomAD no frequency). This variant has not been reported in the literature in individuals affected with PROS1-related conditions. Algorithms developed to predict the effect of sequence changes on RNA splicing suggest that this variant may create or strengthen a splice site. For these reasons, this variant has been classified as Pathogenic.

Literature cited by the submitters: PubMed 9241758.